The following is an entry in ClinVar:

ClinVar aggregate classification (germline): Benign/Likely benign. Review status: criteria provided, multiple submitters, no conflicts (2 of 4 stars). 4 submissions from 4 submitters: Benign (1); Likely benign (2). 1 of the submissions does not count toward it. Last evaluated 2026-07-09.

Conditions:
Hereditary cancer-predisposing syndrome. Also called: Tumor predisposition; Neoplastic Syndromes, Hereditary; Hereditary Cancer Syndrome; Hereditary neoplastic syndrome. Identifiers: Orphanet 140162, MedGen C0027672, MeSH D009386, MONDO:0015356.
Rhabdoid tumor predisposition syndrome 2 (RTPS2). Identifiers: Orphanet 231108, Orphanet 69077, MedGen C2750074, MONDO:0013224, OMIM 613325.
SMARCA4-related disorder. Also called: SMARCA4-related condition.

Allele frequency attached by ClinVar (database versions not stated): TOPMed 0.00001; gnomAD exomes 0.00002; ExAC 0.00004.
gnomAD v4.1: 60 of 1,601,872 alleles (0.0037%); highest among the groups gnomAD compares: Non-Finnish European, 0.0048%; no homozygotes.

Submissions (4):

Myriad Genetics, Inc.
Classification: Benign for Rhabdoid tumor predisposition syndrome 2. Last evaluated: 2026-07-09. Review status: criteria provided, single submitter. Criteria: Myriad Autosomal Dominant, Autosomal Recessive and X-Linked Classification Criteria (2023). Collection method: clinical testing. Allele origin: unknown.
Comment: This variant is considered benign. This variant is a silent/synonymous amino acid change and it is not expected to impact splicing.

Labcorp Genetics (formerly Invitae), Labcorp
Classification: Likely benign for Rhabdoid tumor predisposition syndrome 2. Last evaluated: 2026-01-10. Review status: criteria provided, single submitter. Criteria: Invitae Variant Classification Sherloc (09022015). Collection method: clinical testing. Allele origin: germline.

Ambry Genetics
Classification: Likely benign for Hereditary cancer-predisposing syndrome. Last evaluated: 2015-06-28. Review status: criteria provided, single submitter. Criteria: Ambry Variant Classification Scheme 2023. Collection method: clinical testing. Allele origin: germline.

PreventionGenetics, part of Exact Sciences
Classification: Likely benign for SMARCA4-related condition. Last evaluated: 2022-12-19. Review status: no assertion criteria provided. Collection method: clinical testing. Allele origin: germline. Not counted in ClinVar's aggregate classification.
Comment: This variant is classified as likely benign based on ACMG/AMP sequence variant interpretation guidelines (Richards et al. 2015 PMID: 25741868, with internal and published modifications).

NM_003072.5(SMARCA4):c.939C>T (p.Pro313=)

Gene: SMARCA4 (SWI/SNF related BAF chromatin remodeling complex subunit ATPase 4; plus strand). Cytogenetic location: 19p13.2.
Variant type: single nucleotide variant.
Coding change: c.939C>T on transcript NM_003072.5 (MANE Select); coding-DNA position 939, C replaced by T.
Protein change: p.Pro313=; no amino-acid change (proline 313 retained).
Molecular consequence: synonymous variant. On other transcripts: non-coding transcript variant (1).
Genome position (GRCh38, 1-based): chr19:10,987,745, C>T. VCF-style: chr19-10987745-C-T. GRCh37 (hg19) VCF-style: chr19-11098421-C-T.
Other names: c.939C>T, p.Pro313= (NM_001128844.3, NM_001128845.2, NM_001128846.2 and 5 more transcripts).
Identifiers: ClinVar variation 470470 (VCV000470470.19), dbSNP rs755971351, ClinGen allele CA9203636.